The following is an entry in ClinVar:

ClinVar aggregate classification (germline): Pathogenic (1 of 4 stars; one submission).

Submission:

Labcorp Genetics (formerly Invitae), Labcorp
Classification: Pathogenic. Last evaluated: 2024-02-12. Review status: criteria provided, single submitter. Criteria: Invitae Variant Classification Sherloc (09022015). Collection method: clinical testing. Allele origin: germline.
Comment: This sequence change creates a premature translational stop signal (p.Gly634*) in the COL4A3 gene. It is expected to result in an absent or disrupted protein product. Loss-of-function variants in COL4A3 are known to be pathogenic (PMID: 8956999, 24854265, 26809805, 27281700). This variant is not present in population databases (gnomAD no frequency). This variant has not been reported in the literature in individuals affected with COL4A3-related conditions. ClinVar contains an entry for this variant (Variation ID: 1438338). For these reasons, this variant has been classified as Pathogenic.

Literature cited by the submitters: PubMed 8956999; PubMed 24854265; PubMed 26809805; PubMed 27281700.

NM_000091.5(COL4A3):c.1900G>T (p.Gly634Ter)

Genes: COL4A3 (collagen type IV alpha 3 chain; plus strand), MFF-DT (MFF divergent transcript; minus strand). Cytogenetic location: 2q36.3.
Variant type: single nucleotide variant.
Coding change: c.1900G>T on transcript NM_000091.5 (MANE Select); coding-DNA position 1900, G replaced by T.
Protein change: p.Gly634Ter; replaces glycine 634 with a stop codon.
Molecular consequence: nonsense.
Genome position (GRCh38, 1-based): chr2:227,273,090, G>T. VCF-style: chr2-227273090-G-T. GRCh37 (hg19) VCF-style: chr2-228137806-G-T.
Other names: short protein forms G634*.
Identifiers: ClinVar variation 1438338 (VCV001438338.6), dbSNP rs1060499696, ClinGen allele CA350845024.